The following is an entry in ClinVar:

ClinVar aggregate classification (germline): Likely benign (1 of 4 stars; one submission).

Allele frequency attached by ClinVar (database versions not stated): gnomAD 0.00002; gnomAD exomes 0.00004; TOPMed 0.00005; ExAC 0.00007.
gnomAD v4.1: 64 of 1,613,954 alleles (0.004%); highest among the groups gnomAD compares: Non-Finnish European, 0.0052%; no homozygotes.

Submission:

GeneDx
Classification: Likely benign. Last evaluated: 2018-01-19. Review status: criteria provided, single submitter. Criteria: GeneDx Variant Classification (06012015). Collection method: clinical testing. Allele origin: germline. Affected: yes.
Comment: This variant is considered likely benign or benign based on one or more of the following criteria: it is a conservative change, it occurs at a poorly conserved position in the protein, it is predicted to be benign by multiple in silico algorithms, and/or has population frequency not consistent with disease.

NM_001347995.2(ENTREP1):c.1659G>A (p.Ser553=)

Gene: ENTREP1 (endosomal transmembrane epsin interactor 1; plus strand). Cytogenetic location: 9q21.12.
Variant type: single nucleotide variant.
Coding change: c.1659G>A on transcript NM_001347995.2 (MANE Select); coding-DNA position 1659, G replaced by A.
Protein change: p.Ser553=; no amino-acid change (serine 553 retained).
Molecular consequence: synonymous variant.
Genome position (GRCh38, 1-based): chr9:69,391,651, G>A. VCF-style: chr9-69391651-G-A. GRCh37 (hg19) VCF-style: chr9-72006567-G-A.
Other names: c.1200G>A, p.Ser400= (NM_001127608.3, NM_004816.5).
Identifiers: ClinVar variation 514694 (VCV000514694.2), dbSNP rs776945946, ClinGen allele CA5074555.